The following is an entry in ClinVar:

ClinVar aggregate classification (germline): Likely benign (0 of 4 stars; one submission).

Conditions:
PEX1-related disorder. Also called: PEX1-related condition.

Submission:

PreventionGenetics, part of Exact Sciences
Classification: Likely benign for PEX1-related condition. Last evaluated: 2023-01-26. Review status: no assertion criteria provided. Collection method: clinical testing. Allele origin: germline.
Comment: This variant is classified as likely benign based on ACMG/AMP sequence variant interpretation guidelines (Richards et al. 2015 PMID: 25741868, with internal and published modifications).

NM_000466.3(PEX1):c.2584-9G>C

Gene: PEX1 (peroxisomal biogenesis factor 1; minus strand). Cytogenetic location: 7q21.2.
Variant type: single nucleotide variant.
Coding change: c.2584-9G>C on transcript NM_000466.3 (MANE Select); 9 bases into the intron before coding-DNA position 2584, G replaced by C.
Molecular consequence: intron variant.
Genome position (GRCh38, 1-based): chr7:92,499,847, C>G on the plus strand (G>C on the coding strand, the complement: PEX1 is on the minus strand). VCF-style: chr7-92499847-C-G. GRCh37 (hg19) VCF-style: chr7-92129161-C-G.
Other names: c.2413-9G>C (NM_001282677.2); c.1960-9G>C (NM_001282678.2).
Identifiers: ClinVar variation 3043791 (VCV003043791.2), dbSNP rs370692491, ClinGen allele CA2740097386.